The following is an entry in ClinVar:

NM_000553.6(WRN):c.3460-2A>C

Gene: WRN (WRN RecQ like helicase; plus strand). Cytogenetic location: 8p12.
Variant type: single nucleotide variant.
Coding change: c.3460-2A>C on transcript NM_000553.6 (MANE Select); the canonical splice acceptor site of the intron before coding-DNA position 3460, A replaced by C.
Molecular consequence: splice acceptor variant.
Genome position (GRCh38, 1-based): chr8:31,147,362, A>C. VCF-style: chr8-31147362-A-C. GRCh37 (hg19) VCF-style: chr8-31004878-A-C.
Identifiers: ClinVar variation 38889 (VCV000038889.2), dbSNP rs281865159, ClinGen allele CA343150.

ClinVar aggregate classification (germline): not provided (0 of 4 stars; one submission).

Conditions:
Werner syndrome (WRN). Identifiers: Orphanet 902, MedGen C0043119, MONDO:0010196, OMIM 277700.

Submission:

GeneReviews
No classification provided. Condition: Werner syndrome. Review status: no classification provided. Collection method: literature only. Allele origin: germline.
Comment: Potential founder variant in the Turkish population. Results in exon 30 deletion.

Literature cited by the submitters: PubMed 27667302; PubMed 20301687.